The following is an entry in ClinVar:

ClinVar aggregate classification (germline): Uncertain significance (1 of 4 stars; one submission).

Conditions:
DK1-congenital disorder of glycosylation. Also called: DOLK-congenital disorder of glycosylation; Carbohydrate deficient glycoprotein syndrome type 1m; CDG Im; DK1 DEFICIENCY; DOLICHOL KINASE DEFICIENCY; CONGENITAL DISORDER OF GLYCOSYLATION, TYPE Im. Identifiers: Orphanet 91131, MedGen C1835849, MONDO:0012556, OMIM 610768.

Submission:

Labcorp Genetics (formerly Invitae), Labcorp
Classification: Uncertain significance for DK1-congenital disorder of glycosylation. Last evaluated: 2026-01-19. Review status: criteria provided, single submitter. Criteria: Invitae Variant Classification Sherloc (09022015). Collection method: clinical testing. Allele origin: germline.
Comment: This sequence change replaces glycine, which is neutral and non-polar, with aspartic acid, which is acidic and polar, at codon 111 of the DOLK protein (p.Gly111Asp). This variant is not present in population databases (gnomAD no frequency). This variant has not been reported in the literature in individuals affected with DOLK-related conditions. ClinVar contains an entry for this variant (Variation ID: 2107369). Invitae Evidence Modeling of protein sequence and biophysical properties (such as structural, functional, and spatial information, amino acid conservation, physicochemical variation, residue mobility, and thermodynamic stability) indicates that this missense variant is not expected to disrupt DOLK protein function with a negative predictive value of 80%. In summary, the available evidence is currently insufficient to determine the role of this variant in disease. Therefore, it has been classified as a Variant of Uncertain Significance.

NM_014908.4(DOLK):c.332G>A (p.Gly111Asp)

Gene: DOLK (dolichol kinase; minus strand). Cytogenetic location: 9q34.11.
Variant type: single nucleotide variant.
Coding change: c.332G>A on transcript NM_014908.4 (MANE Select); coding-DNA position 332, G replaced by A.
Protein change: p.Gly111Asp; replaces glycine 111 with aspartic acid.
Molecular consequence: missense variant.
Genome position (GRCh38, 1-based): chr9:128,946,972, C>T on the plus strand (G>A on the coding strand, the complement: DOLK is on the minus strand). VCF-style: chr9-128946972-C-T. GRCh37 (hg19) VCF-style: chr9-131709251-C-T.
Other names: short protein forms G111D.
Identifiers: ClinVar variation 2107369 (VCV002107369.4), dbSNP rs1280428323, ClinGen allele CA375126527.